The following is an entry in ClinVar:

NM_003896.4(ST3GAL5):c.230T>C (p.Val77Ala)

Gene: ST3GAL5 (ST3 beta-galactoside alpha-2,3-sialyltransferase 5; minus strand). Cytogenetic location: 2p11.2.
Variant type: single nucleotide variant.
Coding change: c.230T>C on transcript NM_003896.4 (MANE Select); coding-DNA position 230, T replaced by C.
Protein change: p.Val77Ala; replaces valine 77 with alanine.
Molecular consequence: missense variant. On other transcripts: 5 prime UTR variant (5).
Genome position (GRCh38, 1-based): chr2:85,861,269, A>G on the plus strand (T>C on the coding strand, the complement: ST3GAL5 is on the minus strand). VCF-style: chr2-85861269-A-G. GRCh37 (hg19) VCF-style: chr2-86088392-A-G.
Other names: c.161T>C, p.Val54Ala (NM_001042437.2); c.-332T>C (NM_001354223.2, NM_001354226.2); c.-395T>C (NM_001354224.2); c.146T>C, p.Val49Ala (NM_001354227.2, NM_001354229.2, NM_001354238.1); c.-772T>C (NM_001354233.2); c.-736T>C (NM_001354234.1); c.230T>C, p.Val77Ala (NM_001363847.1); short protein forms V77A, V54A, V49A.
Identifiers: ClinVar variation 2090113 (VCV002090113.4), dbSNP rs1684695603, ClinGen allele CA347534120.

ClinVar aggregate classification (germline): Uncertain significance (1 of 4 stars; one submission).

Conditions:
GM3 synthase deficiency (SPDRS). Also called: SALT AND PEPPER MENTAL RETARDATION SYNDROME; SALT AND PEPPER DEVELOPMENTAL REGRESSION SYNDROME; AMISH INFANTILE EPILEPSY SYNDROME. Identifiers: Orphanet 171714, Orphanet 370933, MedGen C1836824, MONDO:0018274, OMIM 609056.

Allele frequency attached by ClinVar (database versions not stated): gnomAD exomes below 0.00001; TOPMed below 0.00001.
gnomAD v4.1: 1 of 1,612,748 alleles (0.000062%); highest among the groups gnomAD compares: African/African-American, 0.0013%; no homozygotes.

Submission:

Labcorp Genetics (formerly Invitae), Labcorp
Classification: Uncertain significance for GM3 synthase deficiency. Last evaluated: 2022-01-26. Review status: criteria provided, single submitter. Criteria: Invitae Variant Classification Sherloc (09022015). Collection method: clinical testing. Allele origin: germline.
Comment: This variant has not been reported in the literature in individuals affected with ST3GAL5-related conditions. In summary, the available evidence is currently insufficient to determine the role of this variant in disease. Therefore, it has been classified as a Variant of Uncertain Significance. Algorithms developed to predict the effect of missense changes on protein structure and function (SIFT, PolyPhen-2, Align-GVGD) all suggest that this variant is likely to be tolerated. This variant is not present in population databases (gnomAD no frequency). This sequence change replaces valine, which is neutral and non-polar, with alanine, which is neutral and non-polar, at codon 77 of the ST3GAL5 protein (p.Val77Ala).